The following is an entry in ClinVar:

NM_001267550.2(TTN):c.49560dup (p.Tyr16521fs)

Genes: TTN (titin; minus strand), TTN-AS1 (TTN antisense RNA 1; plus strand). Cytogenetic location: 2q31.2.
Variant type: Duplication.
Coding change: c.49560dup on transcript NM_001267550.2 (MANE Select); coding-DNA position 49560, one base duplicated (A; older notation c.49560dupA).
Protein change: p.Tyr16521fs; shifts the reading frame from tyrosine 16521.
Molecular consequence: frameshift variant.
Genome position (GRCh38, 1-based): chr2:178,613,249, T duplicated on the plus strand (A on the coding strand, the reverse complement: TTN is on the minus strand); the first of 6 consecutive T bases (chr2:178,613,249-178,613,254); duplicating any one gives the same sequence. VCF-style (leftmost placement, unchanged base first): chr2-178613248-A-AT. GRCh37 (hg19) VCF-style: chr2-179477975-A-AT.
Other names: c.44637dup, p.Tyr14880fs (NM_001256850.1); c.22365dup, p.Tyr7456fs (NM_003319.4); c.41856dup, p.Tyr13953fs (NM_133378.4); c.22740dup, p.Tyr7581fs (NM_133432.3); c.22941dup, p.Tyr7648fs (NM_133437.4); c.22365dupA (NM_003319.4); short protein forms Y7456fs, Y14880fs, Y7581fs, Y13953fs, Y16521fs, Y7648fs.
Identifiers: ClinVar variation 2586586 (VCV002586586.2), dbSNP rs2470582888, ClinGen allele CA2582342046.

ClinVar aggregate classification (germline): Likely pathogenic (1 of 4 stars; one submission).

Conditions:
Cardiovascular phenotype. Identifiers: MedGen CN230736.

Submission:

Ambry Genetics
Classification: Likely pathogenic for Cardiovascular phenotype. Last evaluated: 2023-09-14. Review status: criteria provided, single submitter. Criteria: Ambry Variant Classification Scheme 2023. Collection method: clinical testing. Allele origin: germline.
Comment: The c.22365dupA variant, located in coding exon 91 of the TTN gene, results from a duplication of A at nucleotide position 22365, causing a translational frameshift with a predicted alternate stop codon (p.Y7456Ifs*8). This exon is located in the A-band region of the N2-B isoform of the titin protein and is constitutively expressed in TTN transcripts (percent spliced in or PSI 100%). This variant is considered to be rare based on population cohorts in the Genome Aggregation Database (gnomAD). This alteration is expected to result in loss of function by premature protein truncation or nonsense-mediated mRNA decay. While truncating variants in TTN are present in 1-3% of the general population, truncating variants in the A-band are the most common cause of dilated cardiomyopathy (DCM) (Herman DS et al. N. Engl. J. Med., 2012 Feb;366:619-28; Roberts AM et al. Sci Transl Med, 2015 Jan;7:270ra6). TTN truncating variants encoded in constitutive exons (PSI >90%) have been found to be significantly associated with DCM regardless of their position in titin (Schafer S et al. Nat. Genet., 2017 01;49:46-53). Based on the majority of available evidence to date, this variant is likely to be pathogenic.